The following is an entry in ClinVar:

ClinVar aggregate classification (germline): Likely benign. Review status: criteria provided, multiple submitters, no conflicts (2 of 4 stars). 2 submissions from 2 submitters: Likely benign (2). Last evaluated 2025-02-07.

Conditions:
POLD1-related polyposis and colorectal cancer syndrome (CRCS10). Also called: Colorectal cancer 10; COLORECTAL CANCER, SUSCEPTIBILITY TO, ON CHROMOSOME 19q; Colorectal cancer, susceptibility to, 10. Identifiers: Orphanet 220460, MedGen C2675481, MONDO:0012953, OMIM 612591.

Submissions (2):

Myriad Genetics, Inc.
Classification: Likely benign for POLD1-related polyposis and colorectal cancer syndrome. Last evaluated: 2025-02-07. Review status: criteria provided, single submitter. Criteria: Myriad Autosomal Dominant, Autosomal Recessive and X-Linked Classification Criteria (2023). Collection method: clinical testing. Allele origin: unknown.
Comment: This variant is considered likely benign. This variant is intronic and is not expected to impact mRNA splicing.

Labcorp Genetics (formerly Invitae), Labcorp
Classification: Likely benign for POLD1-related polyposis and colorectal cancer syndrome. Last evaluated: 2024-09-26. Review status: criteria provided, single submitter. Criteria: Invitae Variant Classification Sherloc (09022015). Collection method: clinical testing. Allele origin: germline.

NM_002691.4(POLD1):c.1686+10C>G

Gene: POLD1 (DNA polymerase delta 1, catalytic subunit; plus strand). Cytogenetic location: 19q13.33.
Variant type: single nucleotide variant.
Coding change: c.1686+10C>G on transcript NM_002691.4 (MANE Select); 10 bases into the intron after coding-DNA position 1686, C replaced by G.
Molecular consequence: intron variant.
Genome position (GRCh38, 1-based): chr19:50,407,184, C>G. VCF-style: chr19-50407184-C-G. GRCh37 (hg19) VCF-style: chr19-50910441-C-G.
Other names: c.1686+10C>G (NM_001256849.1, NM_001308632.1, LRG_785t1 and 1 more transcripts).
Identifiers: ClinVar variation 537173 (VCV000537173.9), dbSNP rs372652150, ClinGen allele CA658799300.